The following is an entry in ClinVar:

ClinVar aggregate classification (germline): Uncertain significance (1 of 4 stars; one submission).

Submission:

GeneDx
Classification: Uncertain significance. Last evaluated: 2024-08-02. Review status: criteria provided, single submitter. Criteria: GeneDx Variant Classification Process June 2021. Collection method: clinical testing. Allele origin: germline.
Comment: Not observed at significant frequency in large population cohorts (gnomAD); In silico analysis supports that this missense variant has a deleterious effect on protein structure/function; Has not been previously published as pathogenic or benign to our knowledge

NM_003482.4(KMT2D):c.14069A>T (p.Asp4690Val)

Gene: KMT2D (lysine methyltransferase 2D; minus strand). Cytogenetic location: 12q13.12.
Variant type: single nucleotide variant.
Coding change: c.14069A>T on transcript NM_003482.4 (MANE Select); coding-DNA position 14069, A replaced by T.
Protein change: p.Asp4690Val; replaces aspartic acid 4690 with valine.
Molecular consequence: missense variant.
Genome position (GRCh38, 1-based): chr12:49,029,407, T>A on the plus strand (A>T on the coding strand, the complement: KMT2D is on the minus strand). VCF-style: chr12-49029407-T-A. GRCh37 (hg19) VCF-style: chr12-49423190-T-A.
Other names: short protein forms D4690V.
Identifiers: ClinVar variation 2499283 (VCV002499283.2), dbSNP rs2498339417, ClinGen allele CA384699350.